The following is an entry in ClinVar:

NM_002234.4(KCNA5):c.577C>G (p.Leu193Val)

Gene: KCNA5 (potassium voltage-gated channel subfamily A member 5; plus strand). Cytogenetic location: 12p13.32.
Variant type: single nucleotide variant.
Coding change: c.577C>G on transcript NM_002234.4 (MANE Select); coding-DNA position 577, C replaced by G.
Protein change: p.Leu193Val; replaces leucine 193 with valine.
Molecular consequence: missense variant.
Genome position (GRCh38, 1-based): chr12:5,044,724, C>G. VCF-style: chr12-5044724-C-G. GRCh37 (hg19) VCF-style: chr12-5153890-C-G.
Other names: short protein forms L193V.
Identifiers: ClinVar variation 4699281 (VCV004699281.1).
Genomic context (GRCh38, chr12:5,044,724, plus strand): 5'-GACGGTATCCTCTACTACTACCAGTCCGGGGGCCGCCTGCGGAGGCCGGTCAACGTCTCC[C>G]TGGACGTGTTCGCGGACGAGATACGCTTCTACCAGCTGGGGGACGAGGCCATGGAGCGCT-3'
Protein context (NP_002225.2, residues 183-203): GRLRRPVNVS[Leu193Val]DVFADEIRFY

ClinVar aggregate classification (germline): Uncertain significance (1 of 4 stars; one submission).

Conditions:
Atrial fibrillation, familial, 7 (ATFB7). Identifiers: MedGen C2677106, MONDO:0012828, OMIM 612240.

Submission:

Labcorp Genetics (formerly Invitae), Labcorp
Classification: Uncertain significance for Atrial fibrillation, familial, 7. Last evaluated: 2025-07-29. Review status: criteria provided, single submitter. Criteria: Invitae Variant Classification Sherloc (09022015). Collection method: clinical testing. Allele origin: germline.
Comment: This sequence change replaces leucine, which is neutral and non-polar, with valine, which is neutral and non-polar, at codon 193 of the KCNA5 protein (p.Leu193Val). This variant is not present in population databases (gnomAD no frequency). This variant has not been reported in the literature in individuals affected with KCNA5-related conditions. Invitae Evidence Modeling of protein sequence and biophysical properties (such as structural, functional, and spatial information, amino acid conservation, physicochemical variation, residue mobility, and thermodynamic stability) indicates that this missense variant is not expected to disrupt KCNA5 protein function with a negative predictive value of 80%. In summary, the available evidence is currently insufficient to determine the role of this variant in disease. Therefore, it has been classified as a Variant of Uncertain Significance.